The following is an entry in ClinVar:

NM_004279.3(PMPCB):c.716T>C (p.Ile239Thr)

Gene: PMPCB (peptidase, mitochondrial processing subunit beta; plus strand). Cytogenetic location: 7q22.1.
Variant type: single nucleotide variant.
Coding change: c.716T>C on transcript NM_004279.3 (MANE Select); coding-DNA position 716, T replaced by C.
Protein change: p.Ile239Thr; replaces isoleucine 239 with threonine.
Molecular consequence: missense variant.
Genome position (GRCh38, 1-based): chr7:103,304,470, T>C. VCF-style: chr7-103304470-T-C. GRCh37 (hg19) VCF-style: chr7-102944917-T-C.
Other names: short protein forms I239T.
Identifiers: ClinVar variation 2977121 (VCV002977121.2), dbSNP rs751146952, ClinGen allele CA4418046.

ClinVar aggregate classification (germline): Uncertain significance (1 of 4 stars; one submission).

Allele frequency attached by ClinVar (database versions not stated): ExAC 0.00001; TOPMed 0.00001; gnomAD 0.00003.

Submission:

Labcorp Genetics (formerly Invitae), Labcorp
Classification: Uncertain significance. Last evaluated: 2024-11-23. Review status: criteria provided, single submitter. Criteria: Invitae Variant Classification Sherloc (09022015). Collection method: clinical testing. Allele origin: germline.
Comment: This sequence change replaces isoleucine, which is neutral and non-polar, with threonine, which is neutral and polar, at codon 239 of the PMPCB protein (p.Ile239Thr). This variant is present in population databases (rs751146952, gnomAD 0.007%). This variant has not been reported in the literature in individuals affected with PMPCB-related conditions. ClinVar contains an entry for this variant (Variation ID: 2977121). Invitae Evidence Modeling of protein sequence and biophysical properties (such as structural, functional, and spatial information, amino acid conservation, physicochemical variation, residue mobility, and thermodynamic stability) indicates that this missense variant is not expected to disrupt PMPCB protein function with a negative predictive value of 80%. In summary, the available evidence is currently insufficient to determine the role of this variant in disease. Therefore, it has been classified as a Variant of Uncertain Significance.